The following is an entry in ClinVar:

ClinVar aggregate classification (germline): Uncertain significance (1 of 4 stars; one submission).

Allele frequency attached by ClinVar (database versions not stated): TOPMed below 0.00001; gnomAD exomes 0.00002; ExAC 0.00004.

Submission:

Labcorp Genetics (formerly Invitae), Labcorp
Classification: Uncertain significance. Last evaluated: 2022-03-21. Review status: criteria provided, single submitter. Criteria: Invitae Variant Classification Sherloc (09022015). Collection method: clinical testing. Allele origin: germline.
Comment: In summary, the available evidence is currently insufficient to determine the role of this variant in disease. Therefore, it has been classified as a Variant of Uncertain Significance. Algorithms developed to predict the effect of missense changes on protein structure and function are either unavailable or do not agree on the potential impact of this missense change (SIFT: "Not Available"; PolyPhen-2: "Probably Damaging"; Align-GVGD: "Not Available"). This variant has not been reported in the literature in individuals affected with CEP250-related conditions. This variant is present in population databases (rs771583685, gnomAD 0.02%). This sequence change replaces leucine, which is neutral and non-polar, with proline, which is neutral and non-polar, at codon 1924 of the CEP250 protein (p.Leu1924Pro).

NM_007186.6(CEP250):c.5771T>C (p.Leu1924Pro)

Gene: CEP250 (centrosomal protein 250; plus strand). Cytogenetic location: 20q11.22.
Variant type: single nucleotide variant.
Coding change: c.5771T>C on transcript NM_007186.6 (MANE Select); coding-DNA position 5771, T replaced by C.
Protein change: p.Leu1924Pro; replaces leucine 1924 with proline.
Molecular consequence: missense variant.
Genome position (GRCh38, 1-based): chr20:35,504,140, T>C. VCF-style: chr20-35504140-T-C. GRCh37 (hg19) VCF-style: chr20-34091968-T-C.
Other names: c.3875T>C, p.Leu1292Pro (NM_001318219.1); short protein forms L1292P, L1924P.
Identifiers: ClinVar variation 1937661 (VCV001937661.3), dbSNP rs771583685, ClinGen allele CA9833927.